The following is an entry in ClinVar:

NM_000264.5(PTCH1):c.1014_1015insTTGCAG (p.Gln338_Glu339insLeuGln)

Gene: PTCH1 (patched 1; minus strand). Cytogenetic location: 9q22.32.
Variant type: Insertion.
Coding change: c.1014_1015insTTGCAG on transcript NM_000264.5 (MANE Select); coding-DNA positions 1014 to 1015, TTGCAG inserted.
Protein change: p.Gln338_Glu339insLeuGln.
Molecular consequence: inframe insertion. On other transcripts: non-coding transcript variant (1).
Genome position: GRCh38 VCF-style: chr9-95480021-C-CCTGCAA. GRCh37 (hg19) VCF-style: chr9-98242303-C-CCTGCAA.
Other names: c.816_817insTTGCAG, p.Gln272_Glu273insLeuGln (NM_001083602.3); c.1011_1012insTTGCAG, p.Gln337_Glu338insLeuGln (NM_001083603.3); c.561_562insTTGCAG, p.Gln187_Glu188insLeuGln (NM_001083604.3, NM_001083605.3, NM_001083606.3 and 1 more transcripts); c.1014_1015insTTGCAG, p.Gln338_Glu339insLeuGln (NM_001354918.2).
Identifiers: ClinVar variation 1692304 (VCV001692304.1), dbSNP rs2118391482, ClinGen allele CA2573144887.

ClinVar aggregate classification (germline): Uncertain significance (1 of 4 stars; one submission).

Conditions:
Hereditary cancer-predisposing syndrome. Also called: Hereditary Cancer Syndrome; Hereditary neoplastic syndrome; Neoplastic Syndromes, Hereditary; Tumor predisposition. Identifiers: Orphanet 140162, MedGen C0027672, MeSH D009386, MONDO:0015356.

Submission:

Sema4
Classification: Uncertain significance for Hereditary cancer-predisposing syndrome. Last evaluated: 2022-01-23. Review status: criteria provided, single submitter. Criteria: Sema4 Curation Guidelines. Collection method: curation. Allele origin: germline.
Comment: The PTCH1 c.1014_1015insTTGCAG (p.Q338_E339insLQ) variant has not been reported in the literature to our knowledge. It was not observed in the large and broad cohorts of the Genome Aggregation Database (PMID: 32461654), nor has it been reported in ClinVar. The evidence is insufficient to meet ACMG/AMP criteria for classifying the variant as benign or pathogenic. Thus, the clinical significance of this variant is currently uncertain.